The following is an entry in ClinVar:

NM_006904.7(PRKDC):c.16G>A (p.Ala6Thr)

Genes: PRKDC (protein kinase, DNA-activated, catalytic subunit; minus strand), LOC129929030 (ATAC-STARR-seq lymphoblastoid silent region 19177; plus strand). Cytogenetic location: 8q11.21.
Variant type: single nucleotide variant.
Coding change: c.16G>A on transcript NM_006904.7 (MANE Select); coding-DNA position 16, G replaced by A.
Protein change: p.Ala6Thr; replaces alanine 6 with threonine.
Molecular consequence: missense variant.
Genome position (GRCh38, 1-based): chr8:47,960,111, C>T on the plus strand (G>A on the coding strand, the complement: PRKDC is on the minus strand). VCF-style: chr8-47960111-C-T. GRCh37 (hg19) VCF-style: chr8-48872671-C-T.
Other names: c.16G>A, p.Ala6Thr (NM_001081640.2); short protein forms A6T.
Identifiers: ClinVar variation 1405464 (VCV001405464.6), dbSNP rs8177999, ClinGen allele CA176153887.

ClinVar aggregate classification (germline): Uncertain significance (1 of 4 stars; one submission).

Conditions:
Severe combined immunodeficiency due to DNA-PKcs deficiency. Also called: IMMUNODEFICIENCY 26 WITH NEUROLOGIC ABNORMALITIES; Immunodeficiency 26 with or without neurologic abnormalities. Identifiers: Orphanet 317425, MedGen C4014833, MONDO:0014423, OMIM 615966.

gnomAD v4.1: 14 of 1,504,638 alleles (0.00093%); highest among the groups gnomAD compares: Middle Eastern, 0.047%; 1 homozygote.

Submission:

Labcorp Genetics (formerly Invitae), Labcorp
Classification: Uncertain significance for Severe combined immunodeficiency due to DNA-PKcs deficiency. Last evaluated: 2021-08-22. Review status: criteria provided, single submitter. Criteria: Invitae Variant Classification Sherloc (09022015). Collection method: clinical testing. Allele origin: germline.
Comment: This sequence change replaces alanine with threonine at codon 6 of the PRKDC protein (p.Ala6Thr). The alanine residue is weakly conserved and there is a small physicochemical difference between alanine and threonine. In summary, the available evidence is currently insufficient to determine the role of this variant in disease. Therefore, it has been classified as a Variant of Uncertain Significance. Experimental studies and prediction algorithms are not available or were not evaluated, and the functional significance of this variant is currently unknown. This variant has not been reported in the literature in individuals affected with PRKDC-related conditions. The frequency data for this variant in the population databases is considered unreliable, as metrics indicate insufficient coverage at this position in the ExAC database.